The following is an entry in ClinVar:

ClinVar aggregate classification (germline): Uncertain significance. Review status: criteria provided, multiple submitters, no conflicts (2 of 4 stars). 2 submissions from 2 submitters: Uncertain significance (2). Last evaluated 2025-10-20.

Conditions:
Hereditary cancer-predisposing syndrome. Also called: Neoplastic Syndromes, Hereditary; Tumor predisposition; Hereditary neoplastic syndrome; Hereditary Cancer Syndrome. Identifiers: Orphanet 140162, MedGen C0027672, MeSH D009386, MONDO:0015356.

gnomAD v4.1: 2 of 1,606,718 alleles (0.00012%); highest among the groups gnomAD compares: South Asian, 0.0011%; no homozygotes.

Submissions (2):

Ambry Genetics
Classification: Uncertain significance for Hereditary cancer-predisposing syndrome. Last evaluated: 2025-10-20. Review status: criteria provided, single submitter. Criteria: Ambry Variant Classification Scheme 2023. Collection method: clinical testing. Allele origin: germline.
Comment: The c.301+4G>A intronic variant results from a G to A substitution 4 nucleotides after coding exon 2 in the CTNNA1 gene. This nucleotide position is not well conserved in available vertebrate species. In silico splice site analysis predicts that this alteration will not have any significant effect on splicing. Based on the available evidence, the clinical significance of this variant remains unclear.

Labcorp Genetics (formerly Invitae), Labcorp
Classification: Uncertain significance. Last evaluated: 2024-03-02. Review status: criteria provided, single submitter. Criteria: Invitae Variant Classification Sherloc (09022015). Collection method: clinical testing. Allele origin: germline.
Comment: This sequence change falls in intron 3 of the CTNNA1 gene. It does not directly change the encoded amino acid sequence of the CTNNA1 protein. It affects a nucleotide within the consensus splice site. This variant is not present in population databases (gnomAD no frequency). This variant has not been reported in the literature in individuals affected with CTNNA1-related conditions. Variants that disrupt the consensus splice site are a relatively common cause of aberrant splicing (PMID: 17576681, 9536098). Algorithms developed to predict the effect of sequence changes on RNA splicing suggest that this variant is not likely to affect RNA splicing. In summary, the available evidence is currently insufficient to determine the role of this variant in disease. Therefore, it has been classified as a Variant of Uncertain Significance.

Literature cited by the submitters: PubMed 17576681 (cited by Labcorp Genetics (formerly Invitae), Labcorp); PubMed 9536098 (cited by Labcorp Genetics (formerly Invitae), Labcorp).

NM_001903.5(CTNNA1):c.301+4G>A

Gene: CTNNA1 (catenin alpha 1; plus strand). Cytogenetic location: 5q31.2.
Variant type: single nucleotide variant.
Coding change: c.301+4G>A on transcript NM_001903.5 (MANE Select); 4 bases into the intron after coding-DNA position 301, G replaced by A.
Molecular consequence: intron variant.
Genome position (GRCh38, 1-based): chr5:138,783,376, G>A. VCF-style: chr5-138783376-G-A. GRCh37 (hg19) VCF-style: chr5-138119065-G-A.
Other names: c.301+4G>A (NM_001323982.2, NM_001323984.2, NM_001290307.3 and 4 more transcripts); c.-6+104G>A (NM_001290310.3); c.-9+1347G>A (NM_001290309.3).
Identifiers: ClinVar variation 3644149 (VCV003644149.3).
Genomic context (GRCh38, chr5:138,783,376, plus strand): 5'-AGAGCCAGTTTCTCAAGGAGGAGCTTGTGGCTGCTGTAGAAGATGTTCGAAAACAAGGTA[G>A]GTCATTACTGCTTTTTAGGTAAAGAGAGGCAGGCCTTTCTAGAAAATCAGTGTTTGAAGA-3'